The following is an entry in ClinVar:

NM_001967.4(EIF4A2):c.368C>T (p.Ala123Val)

Gene: EIF4A2 (eukaryotic translation initiation factor 4A2; plus strand). Cytogenetic location: 3q27.3.
Variant type: single nucleotide variant.
Coding change: c.368C>T on transcript NM_001967.4 (MANE Select); coding-DNA position 368, C replaced by T.
Protein change: p.Ala123Val; replaces alanine 123 with valine.
Molecular consequence: missense variant.
Genome position (GRCh38, 1-based): chr3:186,785,902, C>T. VCF-style: chr3-186785902-C-T. GRCh37 (hg19) VCF-style: chr3-186503691-C-T.
Other names: short protein forms A123V.
Identifiers: ClinVar variation 2136027 (VCV002136027.1), dbSNP rs2473968157, ClinGen allele CA355721925.
Genomic context (GRCh38, chr3:186,785,902, plus strand): 5'-CCTGGAGTTCTGCGGAATAATAATTAAGGCTTGGGTTTTAGATCCAAAAGGTAATTCTGG[C>T]ACTTGGAGACTATATGGGAGCCACTTGTCATGCCTGCATTGGTGGAACAAATGTTCGAAA-3'
Protein context (NP_001958.2, residues 113-133): LAQQIQKVIL[Ala123Val]LGDYMGATCH

ClinVar aggregate classification (germline): Uncertain significance (1 of 4 stars; one submission).

Submission:

GeneDx
Classification: Uncertain significance. Last evaluated: 2022-01-19. Review status: criteria provided, single submitter. Criteria: GeneDx Variant Classification Process June 2021. Collection method: clinical testing. Allele origin: germline. Affected: yes.
Comment: Not observed at significant frequency in large population cohorts (gnomAD); In silico analysis supports that this missense variant has a deleterious effect on protein structure/function; Has not been previously published as pathogenic or benign to our knowledge; Variants in candidate genes are classified as variants of uncertain significance in accordance with ACMG guidelines (Richards et al., 2015)